The following is an entry in ClinVar:

NM_018127.7(ELAC2):c.2372G>A (p.Arg791Gln)

Gene: ELAC2 (elaC ribonuclease Z 2; minus strand). Cytogenetic location: 17p12.
Variant type: single nucleotide variant.
Coding change: c.2372G>A on transcript NM_018127.7 (MANE Select); coding-DNA position 2372, G replaced by A.
Protein change: p.Arg791Gln; replaces arginine 791 with glutamine.
Molecular consequence: missense variant.
Genome position (GRCh38, 1-based): chr17:12,992,927, C>T on the plus strand (G>A on the coding strand, the complement: ELAC2 is on the minus strand). VCF-style: chr17-12992927-C-T. GRCh37 (hg19) VCF-style: chr17-12896244-C-T.
Other names: c.2252G>A, p.Arg751Gln (NM_001165962.2); c.2369G>A, p.Arg790Gln (NM_173717.2); short protein forms R791Q, R790Q, R751Q.
Identifiers: ClinVar variation 408867 (VCV000408867.6), dbSNP rs148819805, ClinGen allele CA8400814.
Genomic context (GRCh38, chr17:12,992,927, plus strand): 5'-TTCTGCTGAGGCTCCCCATCCTCCAGGCCGCCTGCCAGCTCCCTGGACAGGAGGGCCGCC[C>T]GCACCTGCCGCAGCTCCCGCTTCTCCCTGCGCTCCTCCATCTCCTCGATGTCGCCAGCAA-3'
Protein context (NP_060597.4, residues 781-801): RREKRELRQV[Arg791Gln]AALLSRELAG

ClinVar aggregate classification (germline): Uncertain significance. Review status: criteria provided, multiple submitters, no conflicts (2 of 4 stars). 2 submissions from 2 submitters: Uncertain significance (2). Last evaluated 2025-11-19.

Conditions:
Combined oxidative phosphorylation defect type 17. Also called: Combined oxidative phosphorylation deficiency 17. Identifiers: Orphanet 369913, MedGen C3809526, MONDO:0014190, OMIM 615440.
Inborn genetic diseases. Identifiers: MedGen C0950123, MeSH D030342.

Allele frequency attached by ClinVar (database versions not stated): gnomAD 0.00003; ESP Exome Variant Server 0.00008; gnomAD exomes 0.00003; TOPMed 0.00003; ExAC 0.00004.

Submissions (2):

Labcorp Genetics (formerly Invitae), Labcorp
Classification: Uncertain significance for Combined oxidative phosphorylation defect type 17. Last evaluated: 2025-11-19. Review status: criteria provided, single submitter. Criteria: Invitae Variant Classification Sherloc (09022015). Collection method: clinical testing. Allele origin: germline.
Comment: This sequence change replaces arginine, which is basic and polar, with glutamine, which is neutral and polar, at codon 791 of the ELAC2 protein (p.Arg791Gln). This variant is present in population databases (rs148819805, gnomAD 0.02%). This variant has not been reported in the literature in individuals affected with ELAC2-related conditions. ClinVar contains an entry for this variant (Variation ID: 408867). An algorithm developed to predict the effect of missense changes on protein structure and function (PolyPhen-2) suggests that this variant is likely to be disruptive. In summary, the available evidence is currently insufficient to determine the role of this variant in disease. Therefore, it has been classified as a Variant of Uncertain Significance.

Ambry Genetics
Classification: Uncertain significance for Inborn genetic diseases. Last evaluated: 2023-02-27. Review status: criteria provided, single submitter. Criteria: Ambry Variant Classification Scheme 2023. Collection method: clinical testing. Allele origin: germline.